The following is an entry in ClinVar:

ClinVar aggregate classification (germline): Pathogenic (1 of 4 stars; one submission).

Conditions:
HYPERHOMOCYSTEINEMIA, THROMBOTIC, CBS-RELATED. Identifiers: MedGen C3150344, OMIM 236200.

Submission:

Labcorp Genetics (formerly Invitae), Labcorp
Classification: Pathogenic for HYPERHOMOCYSTEINEMIA, THROMBOTIC, CBS-RELATED. Last evaluated: 2025-11-13. Review status: criteria provided, single submitter. Criteria: Invitae Variant Classification Sherloc (09022015). Collection method: clinical testing. Allele origin: germline.
Comment: This sequence change creates a premature translational stop signal (p.Gly274Aspfs*20) in the CBS gene. It is expected to result in an absent or disrupted protein product. Loss-of-function variants in CBS are known to be pathogenic (PMID: 10338090, 12124992). This variant is not present in population databases (gnomAD no frequency). This variant has not been reported in the literature in individuals affected with CBS-related conditions. For these reasons, this variant has been classified as Pathogenic.

Literature cited by the submitters: PubMed 10338090; PubMed 12124992.

NM_000071.3(CBS):c.821del (p.Gly274fs)

Gene: CBS (cystathionine beta-synthase; minus strand). Cytogenetic location: 21q22.3.
Variant type: Deletion.
Coding change: c.821del on transcript NM_000071.3 (MANE Select); coding-DNA position 821, one base deleted (G; older notation c.821delG).
Protein change: p.Gly274fs; shifts the reading frame from glycine 274.
Molecular consequence: frameshift variant.
Genome position (GRCh38, 1-based): chr21:43,063,907, C deleted on the plus strand (G on the coding strand, the reverse complement: CBS is on the minus strand); the first of 2 consecutive C bases (chr21:43,063,907-43,063,908); deleting either gives the same sequence. VCF-style (leftmost placement, unchanged base first): chr21-43063906-TC-T. GRCh37 (hg19) VCF-style: chr21-44484016-TC-T.
Other names: c.821del, p.Gly274fs (NM_001178008.3, NM_001178009.3, NM_001320298.2); c.506del, p.Gly169fs (NM_001321072.1); short protein forms G169fs, G274fs.
Identifiers: ClinVar variation 4748327 (VCV004748327.1).
Genomic context (GRCh38, chr21:43,063,906, plus strand): 5'-CAGAAGCCGGGGCCACTCCGCACTGCCCCTCTCCGGCCCGGCCACACCACTCACCCTGCA[TC>T]CAGGACACTTCTCCTTCAGCTTCCTGGCAATGCCCGTGATGGTGCCGCCCGTGCCCACTG-3'